The following is an entry in ClinVar:

NM_022124.6(CDH23):c.4807G>T (p.Val1603Leu)

Gene: CDH23 (cadherin related 23; plus strand). Cytogenetic location: 10q22.1.
Variant type: single nucleotide variant.
Coding change: c.4807G>T on transcript NM_022124.6 (MANE Select); coding-DNA position 4807, G replaced by T.
Protein change: p.Val1603Leu; replaces valine 1603 with leucine.
Molecular consequence: missense variant.
Genome position (GRCh38, 1-based): chr10:71,741,883, G>T. VCF-style: chr10-71741883-G-T. GRCh37 (hg19) VCF-style: chr10-73501640-G-T.
Other names: short protein forms V1603L.
Identifiers: ClinVar variation 1307605 (VCV001307605.6), dbSNP rs578258738, ClinGen allele CA5545156.

ClinVar aggregate classification (germline): Uncertain significance. Review status: criteria provided, multiple submitters, no conflicts (2 of 4 stars). 2 submissions from 2 submitters: Uncertain significance (2). Last evaluated 2024-10-29.

Allele frequency attached by ClinVar (database versions not stated): gnomAD exomes below 0.00001; ExAC 0.00001; gnomAD 0.00001; TOPMed 0.00001; 1000 Genomes Project 30x 0.00016; 1000 Genomes Project 0.00020.
gnomAD v4.1: 4 of 1,608,778 alleles (0.00025%); highest among the groups gnomAD compares: Admixed American, 0.0067%; no homozygotes.

Submissions (2):

Labcorp Genetics (formerly Invitae), Labcorp
Classification: Uncertain significance. Last evaluated: 2024-10-29. Review status: criteria provided, single submitter. Criteria: Invitae Variant Classification Sherloc (09022015). Collection method: clinical testing. Allele origin: germline.
Comment: This sequence change replaces valine, which is neutral and non-polar, with leucine, which is neutral and non-polar, at codon 1603 of the CDH23 protein (p.Val1603Leu). This variant is present in population databases (rs578258738, gnomAD 0.003%). This variant has not been reported in the literature in individuals affected with CDH23-related conditions. ClinVar contains an entry for this variant (Variation ID: 1307605). An algorithm developed to predict the effect of missense changes on protein structure and function outputs the following: PolyPhen-2: "Not Available". The leucine amino acid residue is found in multiple mammalian species, which suggests that this missense change does not adversely affect protein function. In summary, the available evidence is currently insufficient to determine the role of this variant in disease. Therefore, it has been classified as a Variant of Uncertain Significance.

GeneDx
Classification: Uncertain significance. Last evaluated: 2019-09-12. Review status: criteria provided, single submitter. Criteria: GeneDx Variant Classification Process June 2021. Collection method: clinical testing. Allele origin: germline. Affected: yes.
Comment: Not observed at a significant frequency in large population cohorts (Lek et al., 2016); In silico analysis, which includes protein predictors and evolutionary conservation, supports that this variant does not alter protein structure/function; Has not been previously published as pathogenic or benign to our knowledge